The following is an entry in ClinVar:

NM_005026.5(PIK3CD):c.-138+2544C>T

Genes: PIK3CD (phosphatidylinositol-4,5-bisphosphate 3-kinase catalytic subunit delta; plus strand), PIK3CD-AS1 (PIK3CD antisense RNA 1; minus strand). Cytogenetic location: 1p36.22.
Variant type: single nucleotide variant.
Coding change: c.-138+2544C>T on transcript NM_005026.5 (MANE Select); 2544 bases into the intron after 138 bases upstream of the start codon, C replaced by T.
Molecular consequence: intron variant. On other transcripts: non-coding transcript variant (1).
Genome position (GRCh38, 1-based): chr1:9,654,346, C>T. VCF-style: chr1-9654346-C-T. GRCh37 (hg19) VCF-style: chr1-9714404-C-T.
Other names: c.-138+2544C>T (NM_001437547.1, NM_001439206.1); c.-33+2544C>T (NM_001437546.1).
Identifiers: ClinVar variation 4887121 (VCV004887121.1).

ClinVar aggregate classification (germline): Uncertain significance (1 of 4 stars; one submission).

Submission:

Women's Health and Genetics/Laboratory Corporation of America, LabCorp
Classification: Uncertain significance. Last evaluated: 2026-06-18. Review status: criteria provided, single submitter. Criteria: LabCorp Variant Classification Summary - May 2015. Collection method: clinical testing. Allele origin: germline.
Comment: Variant summary: PIK3CD c.-138+2544C>T is located in the untranslated mRNA region upstream of the initiation codon. The variant was absent in 249274 control chromosomes. The available data on variant occurrences in the general population are insufficient to allow any conclusion about variant significance. To our knowledge, no occurrence of c.-138+2544C>T in individuals affected with PIK3CD-related conditions and no experimental evidence demonstrating its impact on protein function have been reported. No submitters have cited clinical-significance assessments for this variant to ClinVar. Based on the evidence outlined above, the variant was classified as uncertain significance.